The following is an entry in ClinVar:

ClinVar aggregate classification (germline): Uncertain significance (1 of 4 stars; one submission).

gnomAD v4.1: 3 of 1,613,106 alleles (0.00019%); highest among the groups gnomAD compares: Admixed American, 0.0033%; no homozygotes.

Submission:

GeneDx
Classification: Uncertain significance. Last evaluated: 2022-05-03. Review status: criteria provided, single submitter. Criteria: GeneDx Variant Classification Process June 2021. Collection method: clinical testing. Allele origin: germline. Affected: yes.
Comment: Not observed at significant frequency in large population cohorts (gnomAD); In silico analysis supports that this missense variant has a deleterious effect on protein structure/function; Has not been previously published as pathogenic or benign to our knowledge

NM_001395413.1(POR):c.692T>G (p.Phe231Cys)

Gene: POR (cytochrome p450 oxidoreductase; plus strand). Cytogenetic location: 7q11.23.
Variant type: single nucleotide variant.
Coding change: c.692T>G on transcript NM_001395413.1 (MANE Select); coding-DNA position 692, T replaced by G.
Protein change: p.Phe231Cys; replaces phenylalanine 231 with cysteine.
Molecular consequence: missense variant.
Genome position (GRCh38, 1-based): chr7:75,981,576, T>G. VCF-style: chr7-75981576-T-G. GRCh37 (hg19) VCF-style: chr7-75610894-T-G.
Other names: c.701T>G, p.Phe234Cys (NM_000941.3); c.692T>G, p.Phe231Cys (NM_001367562.3, NM_001382657.2, NM_001382658.3 and 2 more transcripts); c.746T>G, p.Phe249Cys (NM_001382655.3); short protein forms F231C, F234C, F249C.
Identifiers: ClinVar variation 1722872 (VCV001722872.2), dbSNP rs1554557959, ClinGen allele CA367748353.